The following is an entry in ClinVar:

ClinVar aggregate classification (germline): Pathogenic (1 of 4 stars; one submission).

Submission:

Labcorp Genetics (formerly Invitae), Labcorp
Classification: Pathogenic. Last evaluated: 2023-11-27. Review status: criteria provided, single submitter. Criteria: Invitae Variant Classification Sherloc (09022015). Collection method: clinical testing. Allele origin: germline.
Comment: This sequence change creates a premature translational stop signal (p.Ser34Valfs*36) in the PMPCA gene. It is expected to result in an absent or disrupted protein product. Loss-of-function variants in PMPCA are known to be pathogenic (PMID: 35885985). This variant is not present in population databases (gnomAD no frequency). This variant has not been reported in the literature in individuals affected with PMPCA-related conditions. For these reasons, this variant has been classified as Pathogenic.

Literature cited by the submitters: PubMed 35885985.

NM_015160.3(PMPCA):c.100del (p.Ser34fs)

Gene: PMPCA (peptidase, mitochondrial processing subunit alpha; plus strand). Cytogenetic location: 9q34.3.
Variant type: Deletion.
Coding change: c.100del on transcript NM_015160.3 (MANE Select); coding-DNA position 100, one base deleted (A; older notation c.100delA).
Protein change: p.Ser34fs; shifts the reading frame from serine 34.
Molecular consequence: frameshift variant. On other transcripts: 5 prime UTR variant (2).
Genome position (GRCh38, 1-based): chr9:136,412,025, A deleted. VCF-style (leftmost placement, unchanged base first): chr9-136412024-TA-T. GRCh37 (hg19) VCF-style: chr9-139306476-TA-T.
Other names: c.-199del (NM_001282944.2, NM_001282946.2); short protein forms S34fs.
Identifiers: ClinVar variation 2722122 (VCV002722122.3), dbSNP rs2538835230, ClinGen allele CA2579516529.
Genomic context (GRCh38, chr9:136,412,024, plus strand): 5'-CCTGTTGTAACTGGGCCGCTTTCTCTGTTTTAGGTTTGGACCTCCTGCGTACAGACGGTT[TA>T]GTAGTGGTGGTGCCTATCCCAACATCCCCCTCTCTTCTCCCTTACCTGGAGTACCCAAGC-3'